The following is an entry in ClinVar:

NM_001844.5(COL2A1):c.1284dup (p.Gly429fs)

Gene: COL2A1 (collagen type II alpha 1 chain; minus strand). Cytogenetic location: 12q13.11.
Variant type: Duplication.
Coding change: c.1284dup on transcript NM_001844.5 (MANE Select); coding-DNA position 1284, one base duplicated (T; older notation c.1284dupT).
Protein change: p.Gly429fs; shifts the reading frame from glycine 429.
Molecular consequence: frameshift variant.
Genome position (GRCh38, 1-based): chr12:47,987,159, A duplicated on the plus strand (T on the coding strand, the reverse complement: COL2A1 is on the minus strand). VCF-style (leftmost placement, unchanged base first): chr12-47987158-C-CA. GRCh37 (hg19) VCF-style: chr12-48380941-C-CA.
Other names: c.1077dup, p.Gly360fs (NM_033150.3); short protein forms G429fs, G360fs.
Identifiers: ClinVar variation 2817548 (VCV002817548.3), dbSNP rs2540151735, ClinGen allele CA2739271963.
Genomic context (GRCh38, chr12:47,987,158, plus strand): 5'-GAGGACCAGTTGCACCTTGAGGGCCAGGAGGGCCCCGTGGCCCAGGGAAGCCAGGAGCAC[C>CA]AGCAATGCCAGGAGCACCCTGTGGGCATGAGAAGAAGGGAGGGGTGTCAGGAGAGGGGAG-3'

ClinVar aggregate classification (germline): Pathogenic (1 of 4 stars; one submission).

Submission:

Labcorp Genetics (formerly Invitae), Labcorp
Classification: Pathogenic. Last evaluated: 2022-11-29. Review status: criteria provided, single submitter. Criteria: Invitae Variant Classification Sherloc (09022015). Collection method: clinical testing. Allele origin: germline.
Comment: For these reasons, this variant has been classified as Pathogenic. This variant has not been reported in the literature in individuals affected with COL2A1-related conditions. This variant is not present in population databases (gnomAD no frequency). This sequence change creates a premature translational stop signal (p.Gly429Trpfs*29) in the COL2A1 gene. It is expected to result in an absent or disrupted protein product. Loss-of-function variants in COL2A1 are known to be pathogenic (PMID: 20179744).

Literature cited by the submitters: PubMed 20179744.